The following is an entry in ClinVar:

NM_000059.4(BRCA2):c.4064A>G (p.Asp1355Gly)

Gene: BRCA2 (BRCA2 DNA repair associated; plus strand). Cytogenetic location: 13q13.1.
Variant type: single nucleotide variant.
Coding change: c.4064A>G on transcript NM_000059.4 (MANE Select); coding-DNA position 4064, A replaced by G.
Protein change: p.Asp1355Gly; replaces aspartic acid 1355 with glycine.
Molecular consequence: missense variant. On other transcripts: non-coding transcript variant (1), intron variant (2).
Genome position (GRCh38, 1-based): chr13:32,338,419, A>G. VCF-style: chr13-32338419-A-G. GRCh37 (hg19) VCF-style: chr13-32912556-A-G.
Other names: c.4064A>G, p.Asp1355Gly (NM_001406719.1, NM_001406720.1, NM_001432077.1); c.1909+5032A>G (NM_001406721.1); c.425-6139A>G (NM_001406722.1); short protein forms D1355G.
Identifiers: ClinVar variation 4756188 (VCV004756188.1).

ClinVar aggregate classification (germline): Uncertain significance (1 of 4 stars; one submission).

Conditions:
Hereditary cancer-predisposing syndrome. Also called: Tumor predisposition; Hereditary Cancer Syndrome; Neoplastic Syndromes, Hereditary; Hereditary neoplastic syndrome. Identifiers: Orphanet 140162, MedGen C0027672, MeSH D009386, MONDO:0015356.

Submission:

Color Diagnostics, LLC DBA Color Health
Classification: Uncertain significance for Hereditary cancer-predisposing syndrome. Last evaluated: 2025-08-28. Review status: criteria provided, single submitter. Criteria: ACMG Guidelines, 2015. Collection method: clinical testing. Allele origin: germline.
Comment: This missense variant replaces aspartic acid with glycine at codon 1355 of the BRCA2 protein. Computational prediction suggests that this variant may not impact protein structure and function. To our knowledge, functional studies have not been reported for this variant. This variant has not been reported in individuals affected with BRCA2-related disorders in the literature. This variant has not been identified in the general population by the Genome Aggregation Database (gnomAD). The available evidence is insufficient to determine the role of this variant in disease conclusively. Therefore, this variant is classified as a Variant of Uncertain Significance.